The following is an entry in ClinVar:

ClinVar aggregate classification (germline): Pathogenic (1 of 4 stars; one submission).

Conditions:
Duchenne muscular dystrophy (DMD). Also called: Duchenne Muscular Dystrophy (DMD); MUSCULAR DYSTROPHY, PSEUDOHYPERTROPHIC PROGRESSIVE, DUCHENNE TYPE. Identifiers: Orphanet 98896, MedGen C0013264, MONDO:0010679, OMIM 310200.

Submission:

Labcorp Genetics (formerly Invitae), Labcorp
Classification: Pathogenic for Duchenne muscular dystrophy. Last evaluated: 2022-02-05. Review status: criteria provided, single submitter. Criteria: Invitae Variant Classification Sherloc (09022015). Collection method: clinical testing. Allele origin: germline.
Comment: This variant results in a copy number gain of the genomic region encompassing exon(s) 56-64 of the DMD gene. While the exact position of this variant cannot be determined from the data, sub-genic copy number gains are generally in tandem (PMID: 25640679). This variant is predicted to be out-of-frame, and may result in an absent or disrupted protein product. Loss-of-function variants in DMD are known to be pathogenic (PMID: 16770791, 25007885). A similar copy number variant has been observed in individuals with Duchenne or Becker muscular dystrophy (PMID: 17561468; Invitae). For these reasons, this variant has been classified as Pathogenic.

Literature cited by the submitters: PubMed 25640679; PubMed 16770791; PubMed 25007885; PubMed 17561468.

NC_000023.10:g.(?_31241144)_(31525590_?)dup

Gene: DMD (dystrophin; minus strand). Cytogenetic location: Xp21.2-21.1.
Variant type: Duplication.
Identifiers: ClinVar variation 1453358 (VCV001453358.6).